The following is an entry in ClinVar:

NM_015015.3(KDM4B):c.2857G>A (p.Asp953Asn)

Gene: KDM4B (lysine demethylase 4B; plus strand). Cytogenetic location: 19p13.3.
Variant type: single nucleotide variant.
Coding change: c.2857G>A on transcript NM_015015.3 (MANE Select); coding-DNA position 2857, G replaced by A.
Protein change: p.Asp953Asn; replaces aspartic acid 953 with asparagine.
Molecular consequence: missense variant.
Genome position (GRCh38, 1-based): chr19:5,144,368, G>A. VCF-style: chr19-5144368-G-A. GRCh37 (hg19) VCF-style: chr19-5144379-G-A.
Other names: c.2959G>A, p.Asp987Asn (NM_001411148.1); short protein forms D953N, D987N.
Identifiers: ClinVar variation 2351649 (VCV002351649.9), dbSNP rs143239564, ClinGen allele CA9108403.

ClinVar aggregate classification (germline): Conflicting classifications of pathogenicity. Review status: criteria provided, conflicting classifications (1 of 4 stars). 3 submissions from 3 submitters: Uncertain significance (1); Likely benign (1). 1 of the submissions does not count toward it. Last evaluated 2025-12-01.

Conditions:
KDM4B-related disorder. Also called: KDM4B-related condition.
Inborn genetic diseases. Identifiers: MedGen C0950123, MeSH D030342.

Allele frequency attached by ClinVar (database versions not stated): TOPMed 0.00022; gnomAD 0.00023; ESP Exome Variant Server 0.00031; ExAC 0.00046.
gnomAD v4.1: 296 of 1,569,574 alleles (0.019%); highest among the groups gnomAD compares: Middle Eastern, 0.033%; 1 homozygote.

Submissions (3):

CeGaT Center for Human Genetics Tuebingen
Classification: Likely benign. Last evaluated: 2025-12-01. Review status: criteria provided, single submitter. Criteria: CeGaT Center For Human Genetics Tuebingen Variant Classification Criteria Version 2. Collection method: clinical testing. Allele origin: germline. Affected: yes. Observed: 1 variant allele.
Comment: KDM4B: BS2

Ambry Genetics
Classification: Uncertain significance for Inborn genetic diseases. Last evaluated: 2022-12-01. Review status: criteria provided, single submitter. Criteria: Ambry Variant Classification Scheme 2023. Collection method: clinical testing. Allele origin: germline.

PreventionGenetics, part of Exact Sciences
Classification: Likely benign for KDM4B-related condition. Last evaluated: 2023-03-29. Review status: no assertion criteria provided. Collection method: clinical testing. Allele origin: germline. Not counted in ClinVar's aggregate classification.
Comment: This variant is classified as likely benign based on ACMG/AMP sequence variant interpretation guidelines (Richards et al. 2015 PMID: 25741868, with internal and published modifications).